The following is an entry in ClinVar:

NM_053039.2(UGT2B28):c.501G>A (p.Pro167=)

Gene: UGT2B28 (UDP glucuronosyltransferase family 2 member B28; plus strand). Cytogenetic location: 4q13.2.
Variant type: single nucleotide variant.
Coding change: c.501G>A on transcript NM_053039.2 (MANE Select); coding-DNA position 501, G replaced by A.
Protein change: p.Pro167=; no amino-acid change (proline 167 retained).
Molecular consequence: synonymous variant.
Genome position (GRCh38, 1-based): chr4:69,281,001, G>A. VCF-style: chr4-69281001-G-A. GRCh37 (hg19) VCF-style: chr4-70146719-G-A.
Other names: c.501G>A, p.Pro167= (NM_001207004.2).
Identifiers: ClinVar variation 2654786 (VCV002654786.24), dbSNP rs72551401, ClinGen allele CA2945760.
Genomic context (GRCh38, chr4:69,281,001, plus strand): 5'-CATTTTTGCAGATGCTTTTTTTCCTTGTGGTGAGCTGCTGGCTGCGCTACTTAACATACC[G>A]TTTGTGTACAGTCTCTGCTTCACTCCTGGCTACACAATTGAAAGGCACAGTGGAGGACTG-3'
Protein context (NP_444267.1, residues 157-177): GELLAALLNI[Pro167=]FVYSLCFTPG

ClinVar aggregate classification (germline): Likely benign (1 of 4 stars; one submission).

Allele frequency attached by ClinVar (database versions not stated): ESP Exome Variant Server 0.00192; 1000 Genomes Project 0.00359; 1000 Genomes Project 30x 0.00375.
gnomAD v4.1: 1,490 of 1,559,484 alleles (0.096%); highest among the groups gnomAD compares: African/African-American, 0.58%; 243 homozygotes.

Submission:

CeGaT Center for Human Genetics Tuebingen
Classification: Likely benign. Last evaluated: 2024-02-01. Review status: criteria provided, single submitter. Criteria: CeGaT Center For Human Genetics Tuebingen Variant Classification Criteria Version 2. Collection method: clinical testing. Allele origin: germline. Affected: yes. Observed: 2 variant alleles.
Comment: UGT2B28: BP4, BP7, BS2